The following is an entry in ClinVar:

NM_194248.3(OTOF):c.*697G>A

Gene: OTOF (otoferlin; minus strand). Cytogenetic location: 2p23.3.
Variant type: single nucleotide variant.
Coding change: c.*697G>A on transcript NM_194248.3 (MANE Select); 697 bases downstream of the stop codon, G replaced by A.
Molecular consequence: 3 prime UTR variant.
Genome position (GRCh38, 1-based): chr2:26,457,541, C>T on the plus strand (G>A on the coding strand, the complement: OTOF is on the minus strand). VCF-style: chr2-26457541-C-T. GRCh37 (hg19) VCF-style: chr2-26680409-C-T.
Other names: c.*499G>A (NM_001287489.2, NM_194323.3); c.*697G>A (NM_004802.4, NM_194322.3).
Identifiers: ClinVar variation 335422 (VCV000335422.6), dbSNP rs60182448, ClinGen allele CA10614843.

ClinVar aggregate classification (germline): Benign. Review status: criteria provided, multiple submitters, no conflicts (2 of 4 stars). 2 submissions from 2 submitters: Benign (2). Last evaluated 2018-01-13.

Conditions:
Autosomal recessive nonsyndromic hearing loss 9. Also called: Deafness, autosomal recessive 9; NEUROSENSORY NONSYNDROMIC RECESSIVE DEAFNESS 9; OTOF-Related Hearing Loss; AUDITORY NEUROPATHY, AUTOSOMAL RECESSIVE, 1, TEMPERATURE-SENSITIVE. Identifiers: Orphanet 90636, MedGen C1832828, MONDO:0010986, OMIM 601071.

Allele frequency attached by ClinVar (database versions not stated): gnomAD exomes 0.00550; gnomAD 0.04365; 1000 Genomes Project 0.04792; 1000 Genomes Project 30x 0.04966; TOPMed 0.05073.
gnomAD v4.1: 6,803 of 153,934 alleles (4.4%); highest among the groups gnomAD compares: African/African-American, 15%; 476 homozygotes.

Submissions (2):

Illumina Laboratory Services, Illumina
Classification: Benign for Autosomal recessive nonsyndromic hearing loss 9. Last evaluated: 2018-01-13. Review status: criteria provided, single submitter. Criteria: ICSL Variant Classification Criteria 13 December 2019. Collection method: clinical testing. Allele origin: germline.
Comment: This variant was observed in the ICSL laboratory as part of a predisposition screen in an ostensibly healthy population. It had not been previously curated by ICSL or reported in the Human Gene Mutation Database (HGMD: prior to June 1st, 2018), and was therefore a candidate for classification through an automated scoring system. Utilizing variant allele frequency, disease prevalence and penetrance estimates, and inheritance mode, an automated score was calculated to assess if this variant is too frequent to cause the disease. Based on the score and internal cut-off values, a variant classified as benign is not then subjected to further curation. The score for this variant resulted in a classification of benign for this disease.

Breakthrough Genomics
Classification: Benign. Review status: criteria provided, single submitter. Criteria: ACMG Guidelines, 2015. Collection method: not provided. Allele origin: germline. Inheritance: Autosomal recessive inheritance. Affected: yes.